The following is an entry in ClinVar:

NM_005076.5(CNTN2):c.2701C>T (p.Pro901Ser)

Gene: CNTN2 (contactin 2; plus strand). Cytogenetic location: 1q32.1.
Variant type: single nucleotide variant.
Coding change: c.2701C>T on transcript NM_005076.5 (MANE Select); coding-DNA position 2701, C replaced by T.
Protein change: p.Pro901Ser; replaces proline 901 with serine.
Molecular consequence: missense variant. On other transcripts: non-coding transcript variant (1).
Genome position (GRCh38, 1-based): chr1:205,072,103, C>T. VCF-style: chr1-205072103-C-T. GRCh37 (hg19) VCF-style: chr1-205041231-C-T.
Other names: c.2701C>T, p.Pro901Ser (NM_001346083.2); short protein forms P901S.
Identifiers: ClinVar variation 1445859 (VCV001445859.6), dbSNP rs2151200097, ClinGen allele CA344381454.

ClinVar aggregate classification (germline): Uncertain significance (1 of 4 stars; one submission).

Conditions:
Epilepsy, familial adult myoclonic, 5 (EPEO5). Also called: CORTICAL MYOCLONIC TREMOR WITH EPILEPSY, FAMILIAL, 5. Identifiers: Orphanet 86814, MedGen C3809374, MONDO:0014167, OMIM 615400.

gnomAD v4.1: 2 of 1,612,808 alleles (0.00012%); highest among the groups gnomAD compares: East Asian, 0.0022%; no homozygotes.

Submission:

Labcorp Genetics (formerly Invitae), Labcorp
Classification: Uncertain significance for Epilepsy, familial adult myoclonic, 5. Last evaluated: 2022-07-19. Review status: criteria provided, single submitter. Criteria: Invitae Variant Classification Sherloc (09022015). Collection method: clinical testing. Allele origin: germline.
Comment: This sequence change replaces proline, which is neutral and non-polar, with serine, which is neutral and polar, at codon 901 of the CNTN2 protein (p.Pro901Ser). This variant is not present in population databases (gnomAD no frequency). This variant has not been reported in the literature in individuals affected with CNTN2-related conditions. ClinVar contains an entry for this variant (Variation ID: 1445859). Advanced modeling of protein sequence and biophysical properties (such as structural, functional, and spatial information, amino acid conservation, physicochemical variation, residue mobility, and thermodynamic stability) performed at Invitae indicates that this missense variant is not expected to disrupt CNTN2 protein function. In summary, the available evidence is currently insufficient to determine the role of this variant in disease. Therefore, it has been classified as a Variant of Uncertain Significance.